The following is an entry in ClinVar:

NM_006245.4(PPP2R5D):c.655C>T (p.Arg219Cys)

Gene: PPP2R5D (protein phosphatase 2 regulatory subunit B'delta; plus strand). Cytogenetic location: 6p21.1.
Variant type: single nucleotide variant.
Coding change: c.655C>T on transcript NM_006245.4 (MANE Select); coding-DNA position 655, C replaced by T.
Protein change: p.Arg219Cys; replaces arginine 219 with cysteine.
Molecular consequence: missense variant.
Genome position (GRCh38, 1-based): chr6:43,007,435, C>T. VCF-style: chr6-43007435-C-T. GRCh37 (hg19) VCF-style: chr6-42975173-C-T.
Other names: c.202C>T, p.Arg68Cys (NM_001270476.2); c.559C>T, p.Arg187Cys (NM_180976.3); c.337C>T, p.Arg113Cys (NM_180977.3); short protein forms R113C, R187C, R219C, R68C.
Identifiers: ClinVar variation 1177376 (VCV001177376.4), dbSNP rs1762146514, ClinGen allele CA364186223.

ClinVar aggregate classification (germline): Uncertain significance. Review status: criteria provided, multiple submitters, no conflicts (2 of 4 stars). 2 submissions from 2 submitters: Uncertain significance (2). Last evaluated 2023-09-03.

Conditions:
Houge-Janssens syndrome 1. Also called: INTELLECTUAL DEVELOPMENTAL DISORDER, AUTOSOMAL DOMINANT 35; PPP2R5D-Related Neurodevelopmental Disorder; Intellectual disability-macrocephaly-hypotonia-behavioral abnormalities syndrome; Hogue-Janssens syndrome 1. Identifiers: Orphanet 457279, MedGen C5779996, MONDO:0014602, OMIM 616355.

Allele frequency attached by ClinVar (database versions not stated): gnomAD 0.00001; gnomAD exomes below 0.00001.
gnomAD v4.1: 3 of 1,613,290 alleles (0.00019%); highest among the groups gnomAD compares: African/African-American, 0.0013%; no homozygotes.

Submissions (2):

Labcorp Genetics (formerly Invitae), Labcorp
Classification: Uncertain significance. Last evaluated: 2023-09-03. Review status: criteria provided, single submitter. Criteria: Invitae Variant Classification Sherloc (09022015). Collection method: clinical testing. Allele origin: germline.
Comment: This sequence change replaces arginine, which is basic and polar, with cysteine, which is neutral and slightly polar, at codon 219 of the PPP2R5D protein (p.Arg219Cys). This variant is not present in population databases (gnomAD no frequency). This missense change has been observed in individual(s) with neurodevelopmental disorder (PMID: 33004838). This variant is also known as c.832C>T (p.Arg278Cys). ClinVar contains an entry for this variant (Variation ID: 1177376). An algorithm developed to predict the effect of missense changes on protein structure and function (PolyPhen-2) suggests that this variant is likely to be disruptive. Algorithms developed to predict the effect of sequence changes on RNA splicing suggest that this variant may create or strengthen a splice site. In summary, the available evidence is currently insufficient to determine the role of this variant in disease. Therefore, it has been classified as a Variant of Uncertain Significance.

MVZ Martinsried, Medicover Genetics
Classification: Uncertain significance for Houge-Janssens syndrome 1. Last evaluated: 2021-05-03. Review status: criteria provided, single submitter. Criteria: ACGS Guidelines, 2020. Collection method: clinical testing. Allele origin: unknown. Affected: yes.

Literature cited by the submitters: PubMed 33004838 (cited by Labcorp Genetics (formerly Invitae), Labcorp).